The following is an entry in ClinVar:

ClinVar aggregate classification (germline): Uncertain significance (1 of 4 stars; one submission).

gnomAD v4.1: 1 of 1,210,180 alleles (0.000083%); no homozygotes.

Submission:

Labcorp Genetics (formerly Invitae), Labcorp
Classification: Uncertain significance. Last evaluated: 2024-10-17. Review status: criteria provided, single submitter. Criteria: Invitae Variant Classification Sherloc (09022015). Collection method: clinical testing. Allele origin: germline.
Comment: This sequence change replaces alanine, which is neutral and non-polar, with threonine, which is neutral and polar, at codon 542 of the OPHN1 protein (p.Ala542Thr). This variant is not present in population databases (gnomAD no frequency). This variant has not been reported in the literature in individuals affected with OPHN1-related conditions. An algorithm developed to predict the effect of missense changes on protein structure and function (PolyPhen-2) suggests that this variant is likely to be disruptive. In summary, the available evidence is currently insufficient to determine the role of this variant in disease. Therefore, it has been classified as a Variant of Uncertain Significance.

NM_002547.3(OPHN1):c.1624G>A (p.Ala542Thr)

Gene: OPHN1 (oligophrenin 1; minus strand). Cytogenetic location: Xq12.
Variant type: single nucleotide variant.
Coding change: c.1624G>A on transcript NM_002547.3 (MANE Select); coding-DNA position 1624, G replaced by A.
Protein change: p.Ala542Thr; replaces alanine 542 with threonine.
Molecular consequence: missense variant.
Genome position (GRCh38, 1-based): chrX:68,096,932, C>T on the plus strand (G>A on the coding strand, the complement: OPHN1 is on the minus strand). VCF-style: chrX-68096932-C-T. GRCh37 (hg19) VCF-style: chrX-67316774-C-T.
Other names: short protein forms A542T.
Identifiers: ClinVar variation 3671103 (VCV003671103.2).